The following is an entry in ClinVar:

ClinVar aggregate classification (germline): Uncertain significance (1 of 4 stars; one submission).

Conditions:
PLA2G6-related disorder. Also called: PLA2G6-related condition.

gnomAD v4.1: 1 of 1,552,890 alleles (0.000064%); highest among the groups gnomAD compares: Non-Finnish European, 0.000087%; no homozygotes.

Submission:

3billion
Classification: Uncertain significance for PLA2G6-related disorder. Last evaluated: 2025-06-12. Review status: criteria provided, single submitter. Criteria: ACMG Guidelines, 2015. Collection method: clinical testing. Allele origin: germline. Affected: yes.
Comment: The variant is observed at an extremely low frequency in the gnomAD v4.1.0 dataset (total allele frequency: <0.001%). Predicted Consequence/Location: Missense variant In silico tool predictions suggest damaging effect of the variant on gene or gene product [REVEL: 0.64 (>=0.6, sensitivity 0.68 and specificity 0.92); 3Cnet: 0.99 (> 0.75, sensitivity 0.96 and precision 0.92)]. Different missense changes at the same codon (p.Arg741Gln, p.Arg741Trp) have been reported as pathogenic/likely pathogenic with strong evidence (ClinVar ID: VCV000006203, VCV000265448 /PMID: 16783378, 18570303 /3billion dataset). Therefore, this variant is classified as VUS according to the recommendation of ACMG/AMP guideline.

Literature cited by the submitters: PubMed 16783378.

NM_003560.4(PLA2G6):c.2221C>G (p.Arg741Gly)

Gene: PLA2G6 (phospholipase A2 group VI; minus strand). Cytogenetic location: 22q13.1.
Variant type: single nucleotide variant.
Coding change: c.2221C>G on transcript NM_003560.4 (MANE Select); coding-DNA position 2221, C replaced by G.
Protein change: p.Arg741Gly; replaces arginine 741 with glycine.
Molecular consequence: missense variant.
Genome position (GRCh38, 1-based): chr22:38,112,559, G>C on the plus strand (C>G on the coding strand, the complement: PLA2G6 is on the minus strand). VCF-style: chr22-38112559-G-C. GRCh37 (hg19) VCF-style: chr22-38508566-G-C.
Other names: c.2059C>G, p.Arg687Gly (NM_001004426.3, NM_001199562.3, NM_001349865.2 and 1 more transcripts); c.2221C>G, p.Arg741Gly (NM_001349864.2); c.1687C>G, p.Arg563Gly (NM_001349867.2); c.1543C>G, p.Arg515Gly (NM_001349868.2); c.1525C>G, p.Arg509Gly (NM_001349869.2); short protein forms R509G, R515G, R563G, R687G, R741G.
Identifiers: ClinVar variation 4854807 (VCV004854807.1).
Genomic context (GRCh38, chr22:38,112,559, plus strand): 5'-CTCACCTGAAGTACTGGATGCCGACCATCTCGCACCAGGCCCGTGCCCGGTCCACAGCCC[G>C]CCCGTCTGGATCCGTGCACTGGTGAGAAGCAGCCTTGGTGAGTGCCGGGCCCACACCCCG-3'
Protein context (NP_003551.2, residues 731-751): VVDCCTDPDG[Arg741Gly]AVDRARAWCE